The following is an entry in ClinVar:

ClinVar aggregate classification (germline): Uncertain significance (1 of 4 stars; one submission).

Conditions:
Charcot-Marie-Tooth disease type 4. Also called: Charcot-Marie-Tooth disease, type IV; Charcot-Marie-Tooth, Type 4. Identifiers: Orphanet 64749, MedGen C4082197, MONDO:0018995.

gnomAD v4.1: 1 of 1,563,140 alleles (0.000064%); highest among the groups gnomAD compares: East Asian, 0.0024%; no homozygotes.

Submission:

Labcorp Genetics (formerly Invitae), Labcorp
Classification: Uncertain significance for Charcot-Marie-Tooth disease type 4. Last evaluated: 2021-08-31. Review status: criteria provided, single submitter. Criteria: Invitae Variant Classification Sherloc (09022015). Collection method: clinical testing. Allele origin: germline.
Comment: This sequence change replaces arginine with leucine at codon 322 of the NDRG1 protein (p.Arg322Leu). The arginine residue is moderately conserved and there is a moderate physicochemical difference between arginine and leucine. This variant is not present in population databases (ExAC no frequency). This variant has not been reported in the literature in individuals affected with NDRG1-related conditions. Algorithms developed to predict the effect of missense changes on protein structure and function are either unavailable or do not agree on the potential impact of this missense change (SIFT: "Tolerated"; PolyPhen-2: "Possibly Damaging"; Align-GVGD: "Class C0"). In summary, the available evidence is currently insufficient to determine the role of this variant in disease. Therefore, it has been classified as a Variant of Uncertain Significance.

NM_006096.4(NDRG1):c.965G>T (p.Arg322Leu)

Gene: NDRG1 (N-myc downstream regulated 1; minus strand). Cytogenetic location: 8q24.22.
Variant type: single nucleotide variant.
Coding change: c.965G>T on transcript NM_006096.4 (MANE Select); coding-DNA position 965, G replaced by T.
Protein change: p.Arg322Leu; replaces arginine 322 with leucine.
Molecular consequence: missense variant.
Genome position (GRCh38, 1-based): chr8:133,239,098, C>A on the plus strand (G>T on the coding strand, the complement: NDRG1 is on the minus strand). VCF-style: chr8-133239098-C-A. GRCh37 (hg19) VCF-style: chr8-134251341-C-A.
Other names: c.965G>T, p.Arg322Leu (NM_001135242.2, NM_001374845.1, NM_001374846.1); c.767G>T, p.Arg256Leu (NM_001258432.2, NM_001374847.1); c.722G>T, p.Arg241Leu (NM_001258433.2); c.1016G>T, p.Arg339Leu (NM_001374844.1); short protein forms R322L, R339L, R241L, R256L.
Identifiers: ClinVar variation 845559 (VCV000845559.7), dbSNP rs1307068606, ClinGen allele CA372254619.